The following is an entry in ClinVar:

ClinVar aggregate classification (germline): Uncertain significance (1 of 4 stars; one submission).

Submission:

GeneDx
Classification: Uncertain significance. Last evaluated: 2025-06-09. Review status: criteria provided, single submitter. Criteria: GeneDx Variant Classification Process June 2021. Collection method: clinical testing. Allele origin: germline. Affected: yes.
Comment: Not observed at significant frequency in large population cohorts (gnomAD); In silico analysis supports that this missense variant has a deleterious effect on protein structure/function; This variant is associated with the following publications: (PMID: 16297664)

NM_000061.3(BTK):c.1722C>G (p.Phe574Leu)

Gene: BTK (Bruton tyrosine kinase; minus strand). Cytogenetic location: Xq22.1.
Variant type: single nucleotide variant.
Coding change: c.1722C>G on transcript NM_000061.3 (MANE Select); coding-DNA position 1722, C replaced by G.
Protein change: p.Phe574Leu; replaces phenylalanine 574 with leucine.
Molecular consequence: missense variant.
Genome position (GRCh38, 1-based): chrX:101,353,898, G>C on the plus strand (C>G on the coding strand, the complement: BTK is on the minus strand). VCF-style: chrX-101353898-G-C. GRCh37 (hg19) VCF-style: chrX-100608886-G-C.
Other names: c.1824C>G, p.Phe608Leu (NM_001287344.2); c.1194C>G, p.Phe398Leu (NM_001287345.2); short protein forms F398L, F574L, F608L.
Identifiers: ClinVar variation 4537834 (VCV004537834.1).
Genomic context (GRCh38, chrX:101,353,898, plus strand): 5'-GCTGTATAATCTGTGTAATCTTATCCACTTACCAAAAGCCCAAATGTCAGATTTGCTGCT[G>C]AACTTGCTATACATCAGGACTTCCGGTGGGGACCACCGGACTGGAAATTTGGAGCCTACT-3'
Protein context (NP_000052.1, residues 564-584): SPPEVLMYSK[Phe574Leu]SSKSDIWAFG